The following is an entry in ClinVar:

NM_182920.2(ADAMTS9):c.4038C>T (p.Gly1346=)

Gene: ADAMTS9 (ADAM metallopeptidase with thrombospondin type 1 motif 9; minus strand). Cytogenetic location: 3p14.1.
Variant type: single nucleotide variant.
Coding change: c.4038C>T on transcript NM_182920.2 (MANE Select); coding-DNA position 4038, C replaced by T.
Protein change: p.Gly1346=; no amino-acid change (glycine 1346 retained).
Molecular consequence: synonymous variant.
Genome position (GRCh38, 1-based): chr3:64,596,971, G>A on the plus strand (C>T on the coding strand, the complement: ADAMTS9 is on the minus strand). VCF-style: chr3-64596971-G-A. GRCh37 (hg19) VCF-style: chr3-64582647-G-A.
Other names: c.4038C>T (NM_182920.1); c.3954C>T, p.Gly1318= (NM_001318781.2).
Identifiers: ClinVar variation 1639744 (VCV001639744.12), dbSNP rs150397612, ClinGen allele CA2480643.

ClinVar aggregate classification (germline): Benign. Review status: criteria provided, multiple submitters, no conflicts (2 of 4 stars). 3 submissions from 3 submitters: Benign (2). 1 of the submissions does not count toward it. Last evaluated 2025-05-06.

Conditions:
ADAMTS9-related disorder. Also called: ADAMTS9-related condition.

Allele frequency attached by ClinVar (database versions not stated): ESP Exome Variant Server 0.00100; gnomAD 0.00196 and 0.00319; TOPMed 0.00268; gnomAD exomes 0.00356 and 0.00720; ExAC 0.00730; 1000 Genomes Project 30x 0.01265; 1000 Genomes Project 0.01278.
gnomAD v4.1: 5,867 of 1,613,652 alleles (0.36%); highest among the groups gnomAD compares: East Asian, 2.8%; 87 homozygotes.

Submissions (8):

Labcorp Genetics (formerly Invitae), Labcorp
Classification: Benign. Last evaluated: 2025-05-06. Review status: criteria provided, single submitter. Criteria: Invitae Variant Classification Sherloc (09022015). Collection method: clinical testing. Allele origin: germline.

Breakthrough Genomics
Classification: Benign. Review status: criteria provided, single submitter. Criteria: ACMG Guidelines, 2015. Collection method: not provided. Allele origin: germline. Inheritance: Unknown mechanism. Affected: yes.

PreventionGenetics, part of Exact Sciences
Classification: Benign for ADAMTS9-related condition. Last evaluated: 2019-05-28. Review status: no assertion criteria provided. Collection method: clinical testing. Allele origin: germline. Not counted in ClinVar's aggregate classification.
Comment: This variant is classified as benign based on ACMG/AMP sequence variant interpretation guidelines (Richards et al. 2015 PMID: 25741868, with internal and published modifications).

Dr. Peter K. Rogan Lab, Western University
No classification provided (evidence only). Condition: Melanoma. Review status: no classification provided. Collection method: in vitro. Allele origin: not applicable. Functional consequence: retained intron. Not counted in ClinVar's aggregate classification.

Dr. Peter K. Rogan Lab, Western University
No classification provided (evidence only). Condition: Thyroid cancer, nonmedullary, 1. Review status: no classification provided. Collection method: in vitro. Allele origin: not applicable. Functional consequence: retained intron. Not counted in ClinVar's aggregate classification.

Dr. Peter K. Rogan Lab, Western University
No classification provided (evidence only). Condition: Cervical cancer. Review status: no classification provided. Collection method: in vitro. Allele origin: not applicable. Functional consequence: retained intron. Not counted in ClinVar's aggregate classification.

Dr. Peter K. Rogan Lab, Western University
No classification provided (evidence only). Condition: Cervical cancer. Review status: no classification provided. Collection method: in vitro. Allele origin: not applicable. Functional consequence: retained intron. Not counted in ClinVar's aggregate classification.

Dr. Peter K. Rogan Lab, Western University
No classification provided (evidence only). Condition: Gastric cancer. Review status: no classification provided. Collection method: in vitro. Allele origin: not applicable. Functional consequence: retained intron. Not counted in ClinVar's aggregate classification.